The following is an entry in ClinVar:

Single allele

Variant type: Deletion.
Identifiers: ClinVar variation 156980 (VCV000156980.2).

ClinVar aggregate classification (germline): not provided. Review status: no classification provided (0 of 4 stars). 4 submissions from 1 submitter: not provided (4).

Conditions:
Normal pregnancy. Identifiers: MedGen C0232989.
Small for gestational age. Also called: Low birth weight. Identifiers: MedGen C0235991, HP:0001518.
Large for gestational age. Identifiers: MedGen C1848395, HP:0001520.
Gestational diabetes mellitus uncontrolled. Identifiers: MedGen C3532257.

Submissions (4):

Institute of Molecular and Cell Biology, University of Tartu
No classification provided. Condition: Normal pregnancy. Review status: no classification provided. Collection method: case-control. Allele origin: unknown. Affected: yes. Study: Kasak2014.
Comment: The study aimed to determine the contribution of copy number variants in the genetic etiology of normal and complicated pregnancies. The samples represented (i) maternal blood DNA drawn from healthy pregnant women during 1st or 2nd trimester and (ii) maternal and paternal blood DNA drawn at term pregnancy cases representing normal and complicated gestations (severe preeclampsia, PE; gestational diabetes, GD; small-for-gestational age newborn, SGA; large-for-gestational age newborn, LGA). We performed CNV calling based on genome-wide genotyping dataset (Illumina HumanOmniExpress-24-v1 BeadChip) by applying three algorithms, QuantiSNP, GADA (Genome Alteration Detection Algorithm) and CNstream in parallel. The acquired CNV calls were merged with HD-CNV (Hotspot Detector for Copy Number Variants) program and only the CNVs predicted by at least two programs, were considered in subsequent analysis.

Institute of Molecular and Cell Biology, University of Tartu
No classification provided. Condition: Small for gestational age. Review status: no classification provided. Collection method: case-control. Allele origin: unknown. Affected: yes. Study: Kasak2014.
Comment: the same text as in the submission from Institute of Molecular and Cell Biology, University of Tartu above.

Institute of Molecular and Cell Biology, University of Tartu
No classification provided. Condition: Large for gestational age. Review status: no classification provided. Collection method: case-control. Allele origin: unknown. Affected: yes. Study: Kasak2014.
Comment: the same text as in the submission from Institute of Molecular and Cell Biology, University of Tartu above.

Institute of Molecular and Cell Biology, University of Tartu
No classification provided. Condition: Gestational diabetes mellitus uncontrolled. Review status: no classification provided. Collection method: case-control. Allele origin: unknown. Affected: yes. Study: Kasak2014.
Comment: the same text as in the submission from Institute of Molecular and Cell Biology, University of Tartu above.

Literature cited by the submitters: PubMed 25666259.